The following is an entry in ClinVar:

NM_000266.4(NDP):c.13G>A (p.Val5Ile)

Genes: NDP (norrin cystine knot growth factor NDP; minus strand), NDP-AS1 (NDP antisense RNA 1; plus strand). Cytogenetic location: Xp11.3.
Variant type: single nucleotide variant.
Coding change: c.13G>A on transcript NM_000266.4 (MANE Select); coding-DNA position 13, G replaced by A.
Protein change: p.Val5Ile; replaces valine 5 with isoleucine.
Molecular consequence: missense variant.
Genome position (GRCh38, 1-based): chrX:43,958,633, C>T on the plus strand (G>A on the coding strand, the complement: NDP is on the minus strand). VCF-style: chrX-43958633-C-T. GRCh37 (hg19) VCF-style: chrX-43817879-C-T.
Other names: short protein forms V5I.
Identifiers: ClinVar variation 4781892 (VCV004781892.1).

ClinVar aggregate classification (germline): Uncertain significance (1 of 4 stars; one submission).

Submission:

Labcorp Genetics (formerly Invitae), Labcorp
Classification: Uncertain significance. Last evaluated: 2025-02-15. Review status: criteria provided, single submitter. Criteria: Invitae Variant Classification Sherloc (09022015). Collection method: clinical testing. Allele origin: germline.
Comment: This sequence change replaces valine, which is neutral and non-polar, with isoleucine, which is neutral and non-polar, at codon 5 of the NDP protein (p.Val5Ile). This variant is not present in population databases (gnomAD no frequency). This variant has not been reported in the literature in individuals affected with NDP-related conditions. Invitae Evidence Modeling of protein sequence and biophysical properties (such as structural, functional, and spatial information, amino acid conservation, physicochemical variation, residue mobility, and thermodynamic stability) has been performed for this missense variant. However, the output from this modeling did not meet the statistical confidence thresholds required to predict the impact of this variant on NDP protein function. In summary, the available evidence is currently insufficient to determine the role of this variant in disease. Therefore, it has been classified as a Variant of Uncertain Significance.